The following is an entry in ClinVar:

NM_000047.3(ARSL):c.157A>G (p.Ile53Val)

Gene: ARSL (arylsulfatase L; minus strand). Cytogenetic location: Xp22.33.
Variant type: single nucleotide variant.
Coding change: c.157A>G on transcript NM_000047.3 (MANE Select); coding-DNA position 157, A replaced by G.
Protein change: p.Ile53Val; replaces isoleucine 53 with valine.
Molecular consequence: missense variant. On other transcripts: intron variant (1).
Genome position (GRCh38, 1-based): chrX:2,958,302, T>C on the plus strand (A>G on the coding strand, the complement: ARSL is on the minus strand). VCF-style: chrX-2958302-T-C. GRCh37 (hg19) VCF-style: chrX-2876343-T-C.
Other names: c.232A>G, p.Ile78Val (NM_001282628.2, NM_001369080.1); c.184A>G, p.Ile62Val (NM_001369079.1); c.23+2076A>G (NM_001282631.2); short protein forms I53V, I62V, I78V.
Identifiers: ClinVar variation 157729 (VCV000157729.34), dbSNP rs61733256, ClinGen allele CA171122.
Genomic context (GRCh38, chrX:2,958,302, plus strand): 5'-GGGCACCAGGTGAGTAATTCTCTGTCCCTTGCCTCATGGTGTTGTTGCCATAGCAGCCAA[T>C]GTCCCCAATGCCAAGGTCGTCCGCCATCAGAAGAAGGATGTTCGGTCGGGAGGCGGAAAT-3'
Protein context (NP_000038.2, residues 43-63): LMADDLGIGD[Ile53Val]GCYGNNTMRT

ClinVar aggregate classification (germline): Benign. Review status: criteria provided, multiple submitters, no conflicts (2 of 4 stars). 8 submissions from 8 submitters: Benign (8). Last evaluated 2026-01-31.

Conditions:
Chondrodysplasia punctata, brachytelephalangic, autosomal. Also called: BRACHYTELEPHALANGIC CHONDRODYSPLASIA PUNCTATA. Identifiers: MedGen C1844853, MONDO:0011238, OMIM 602497.
Connective tissue disorder. Also called: Connective tissue disease. Identifiers: MedGen C0009782, MONDO:0003900.
X-linked chondrodysplasia punctata 1 (CDPX1). Also called: Chondrodysplasia punctata, X-linked recessive; CHONDRODYSPLASIA PUNCTATA, BRACHYTELEPHALANGIC. Identifiers: Orphanet 79345, MedGen C3669395, MONDO:0010555, OMIM 302950.

Allele frequency attached by ClinVar (database versions not stated): gnomAD exomes 0.00308 and 0.00837; ExAC 0.01052; gnomAD 0.02699 and 0.02854; TOPMed 0.03255; 1000 Genomes Project 0.03338; ESP Exome Variant Server 0.03597; 1000 Genomes Project 30x 0.03600.
gnomAD v4.1: 6,619 of 1,210,149 alleles (0.55%); highest among the groups gnomAD compares: African/African-American, 9.5%; 201 homozygotes.

Submissions (8):

Labcorp Genetics (formerly Invitae), Labcorp
Classification: Benign for Chondrodysplasia punctata, brachytelephalangic, autosomal. Last evaluated: 2026-01-31. Review status: criteria provided, single submitter. Criteria: Invitae Variant Classification Sherloc (09022015). Collection method: clinical testing. Allele origin: germline.

ARUP Laboratories, Molecular Genetics and Genomics, ARUP Laboratories
Classification: Benign for X-linked chondrodysplasia punctata 1. Last evaluated: 2025-06-24. Review status: criteria provided, single submitter. Criteria: ARUP Molecular Germline Variant Investigation Process 2024. Collection method: clinical testing. Allele origin: germline.

Genome-Nilou Lab
Classification: Benign for X-linked chondrodysplasia punctata 1. Last evaluated: 2021-07-14. Review status: criteria provided, single submitter. Criteria: ACMG Guidelines, 2015. Collection method: clinical testing. Allele origin: germline. Affected: no.

Genome Diagnostics Laboratory, The Hospital for Sick Children
Classification: Benign for Connective tissue disorder. Last evaluated: 2020-03-01. Review status: criteria provided, single submitter. Criteria: ACMG Guidelines, 2015. Collection method: clinical testing. Allele origin: germline.

GeneDx
Classification: Benign. Last evaluated: 2016-11-21. Review status: criteria provided, single submitter. Criteria: GeneDx Variant Classification (06012015). Collection method: clinical testing. Allele origin: germline. Affected: yes.
Comment: This variant is considered likely benign or benign based on one or more of the following criteria: it is a conservative change, it occurs at a poorly conserved position in the protein, it is predicted to be benign by multiple in silico algorithms, and/or has population frequency not consistent with disease.

Genetic Services Laboratory, University of Chicago
Classification: Benign. Last evaluated: 2013-02-08. Review status: criteria provided, single submitter. Criteria: ACMG Guidelines, 2007. Collection method: clinical testing. Allele origin: germline. Inheritance: X-linked inheritance.

Breakthrough Genomics
Classification: Benign. Review status: criteria provided, single submitter. Criteria: ACMG Guidelines, 2015. Collection method: not provided. Allele origin: germline. Inheritance: X-linked inheritance. Affected: yes.

PreventionGenetics, part of Exact Sciences
Classification: Benign. Review status: criteria provided, single submitter. Criteria: ACMG Guidelines, 2015. Collection method: clinical testing. Allele origin: germline.